The following is an entry in ClinVar:

ClinVar aggregate classification (germline): Uncertain significance. Review status: criteria provided, multiple submitters, no conflicts (2 of 4 stars). 2 submissions from 2 submitters: Uncertain significance (2). Last evaluated 2024-08-25.

Conditions:
Inborn genetic diseases. Identifiers: MedGen C0950123, MeSH D030342.

Allele frequency attached by ClinVar (database versions not stated): gnomAD exomes 0.00001.
gnomAD v4.1: 12 of 1,613,470 alleles (0.00074%); highest among the groups gnomAD compares: African/African-American, 0.0093%; no homozygotes.

Submissions (2):

Ambry Genetics
Classification: Uncertain significance for Inborn genetic diseases. Last evaluated: 2024-08-25. Review status: criteria provided, single submitter. Criteria: Ambry Variant Classification Scheme 2023. Collection method: clinical testing. Allele origin: germline.

Labcorp Genetics (formerly Invitae), Labcorp
Classification: Uncertain significance. Last evaluated: 2022-05-04. Review status: criteria provided, single submitter. Criteria: Invitae Variant Classification Sherloc (09022015). Collection method: clinical testing. Allele origin: germline.
Comment: In summary, the available evidence is currently insufficient to determine the role of this variant in disease. Therefore, it has been classified as a Variant of Uncertain Significance. Algorithms developed to predict the effect of missense changes on protein structure and function output the following: SIFT: "Tolerated"; PolyPhen-2: "Benign"; Align-GVGD: "Class C0". The arginine amino acid residue is found in multiple mammalian species, which suggests that this missense change does not adversely affect protein function. This variant has not been reported in the literature in individuals affected with GCLC-related conditions. This variant is not present in population databases (gnomAD no frequency). This sequence change replaces lysine, which is basic and polar, with arginine, which is basic and polar, at codon 625 of the GCLC protein (p.Lys625Arg).

NM_001498.4(GCLC):c.1874A>G (p.Lys625Arg)

Genes: GCLC (glutamate-cysteine ligase catalytic subunit; minus strand), GCLC-AS1 (GCLC antisense RNA 1; plus strand). Cytogenetic location: 6p12.1.
Variant type: single nucleotide variant.
Coding change: c.1874A>G on transcript NM_001498.4 (MANE Select); coding-DNA position 1874, A replaced by G.
Protein change: p.Lys625Arg; replaces lysine 625 with arginine.
Molecular consequence: missense variant.
Genome position (GRCh38, 1-based): chr6:53,498,796, T>C on the plus strand (A>G on the coding strand, the complement: GCLC is on the minus strand). VCF-style: chr6-53498796-T-C. GRCh37 (hg19) VCF-style: chr6-53363594-T-C.
Other names: c.1874A>G (NM_001498.3); c.1760A>G, p.Lys587Arg (NM_001197115.2); short protein forms K587R, K625R.
Identifiers: ClinVar variation 1916326 (VCV001916326.6), dbSNP rs371919046, ClinGen allele CA139032766.